The following is an entry in ClinVar:

ClinVar aggregate classification (germline): Pathogenic, low penetrance (1 of 4 stars; one submission).

Conditions:
Atypical hemolytic-uremic syndrome. Identifiers: Orphanet 2134, MedGen C2931788, MONDO:0016244.

Submission:

Genomenon, Inc
Classification: Pathogenic, low penetrance for Atypical hemolytic-uremic syndrome. Last evaluated: 2025-10-02. Review status: criteria provided, single submitter. Criteria: Genomenon Sequence Variant Interpretation Standards - Updated. Collection method: curation. Allele origin: germline. Affected: yes.
Comment: CFH p.Ser1158Ter (c.3473C>G) is a nonsense variant that introduces a premature stop codon at amino acid position 1158, creating a truncated protein that is predicted to undergo nonsense-mediated mRNA decay. This variant has been observed in at least one proband affected with atypical hemolytic-uremic syndrome (PMID:33387344). It is absent or not present at a significant frequency in gnomAD. In conclusion, we classify CFH p.Ser1158Ter (c.3473C>G) as a pathogenic, low penetrance variant.

Literature cited by the submitters: PubMed 33387344.

NM_000186.4(CFH):c.3473C>G (p.Ser1158Ter)

Gene: CFH (complement factor H; plus strand). Cytogenetic location: 1q31.3.
Variant type: single nucleotide variant.
Coding change: c.3473C>G on transcript NM_000186.4 (MANE Select); coding-DNA position 3473, C replaced by G.
Protein change: p.Ser1158Ter; replaces serine 1158 with a stop codon.
Molecular consequence: nonsense.
Genome position (GRCh38, 1-based): chr1:196,745,979, C>G. VCF-style: chr1-196745979-C-G. GRCh37 (hg19) VCF-style: chr1-196715109-C-G.
Other names: short protein forms S1158*.
Identifiers: ClinVar variation 4291580 (VCV004291580.1).
Genomic context (GRCh38, chr1:196,745,979, plus strand): 5'-GCCAGAACTTGTATCAACTTGAGGGTAACAAGCGAATAACATGTAGAAATGGACAATGGT[C>G]AGAACCACCAAAATGCTTACGTAAGTACTTTAATATTCACGTGGCTGGAAAAATCTCTGT-3'